The following is an entry in ClinVar:

NM_000256.3(MYBPC3):c.2074A>C (p.Lys692Gln)

Gene: MYBPC3 (myosin binding protein C3; minus strand). Cytogenetic location: 11p11.2.
Variant type: single nucleotide variant.
Coding change: c.2074A>C on transcript NM_000256.3 (MANE Select); coding-DNA position 2074, A replaced by C.
Protein change: p.Lys692Gln; replaces lysine 692 with glutamine.
Molecular consequence: missense variant.
Genome position (GRCh38, 1-based): chr11:47,339,398, T>G on the plus strand (A>C on the coding strand, the complement: MYBPC3 is on the minus strand). VCF-style: chr11-47339398-T-G. GRCh37 (hg19) VCF-style: chr11-47360949-T-G.
Other names: p.K692Q:AAG>CAG; c.2074A>C, p.Lys692Gln (LRG_386t1); short protein forms K692Q.
Identifiers: ClinVar variation 180963 (VCV000180963.5), dbSNP rs730880562, ClinGen allele CA011719.

ClinVar aggregate classification (germline): Uncertain significance. Review status: criteria provided, multiple submitters, no conflicts (2 of 4 stars). 3 submissions from 3 submitters: Uncertain significance (3). Last evaluated 2025-04-29.

Conditions:
Cardiomyopathy (CMYO). Also called: Cardiomyopathies. Identifiers: Orphanet 167848, MedGen C0878544, MONDO:0004994, HP:0001638. Inheritance: Various modes of inheritance.
Hypertrophic cardiomyopathy. Also called: HYPERTROPHIC MYOCARDIOPATHY. Identifiers: Orphanet 217569, MedGen C0007194, MeSH D002312, MONDO:0005045, HP:0001639.

Allele frequency attached by ClinVar (database versions not stated): gnomAD exomes 0.00001 and below 0.00001; TOPMed below 0.00001; gnomAD 0.00001.
gnomAD v4.1: 22 of 1,613,878 alleles (0.0014%); highest among the groups gnomAD compares: Non-Finnish European, 0.0018%; no homozygotes.

Submissions (3):

Labcorp Genetics (formerly Invitae), Labcorp
Classification: Uncertain significance for Hypertrophic cardiomyopathy. Last evaluated: 2025-04-29. Review status: criteria provided, single submitter. Criteria: Invitae Variant Classification Sherloc (09022015). Collection method: clinical testing. Allele origin: germline.
Comment: This sequence change replaces lysine, which is basic and polar, with glutamine, which is neutral and polar, at codon 692 of the MYBPC3 protein (p.Lys692Gln). This variant is present in population databases (rs730880562, gnomAD 0.0009%). This variant has not been reported in the literature in individuals affected with MYBPC3-related conditions. ClinVar contains an entry for this variant (Variation ID: 180963). An algorithm developed to predict the effect of missense changes on protein structure and function (PolyPhen-2) suggests that this variant is likely to be tolerated. In summary, the available evidence is currently insufficient to determine the role of this variant in disease. Therefore, it has been classified as a Variant of Uncertain Significance.

CHEO Genetics Diagnostic Laboratory, Children's Hospital of Eastern Ontario
Classification: Uncertain significance for Cardiomyopathy. Last evaluated: 2018-05-01. Review status: criteria provided, single submitter. Criteria: ACMG Guidelines, 2015. Collection method: clinical testing. Allele origin: germline.

GeneDx
Classification: Uncertain significance. Last evaluated: 2013-02-27. Review status: criteria provided, single submitter. Criteria: GeneDx Variant Classification (06012015). Collection method: clinical testing. Allele origin: germline. Affected: yes.
Comment: p.Lys692Gln (AAG>CAG): c.2074 A>C in exon 22 of the MYBPC3 gene (NM_000256.3)The Lys692Gln variant in the MYBPC3 gene has not been reported as a disease-causing mutation or as a benign polymorphism to our knowledge. Lys692Gln results in a semi-conservative amino acid substitution of a positively charged Lysine with a neutral, polar Glutamine at a position that is conserved across species. Mutations in nearby codons (Gln689His, Ala693Ser, Ala701Thr) have been reported in association with HCM, further supporting the functional importance of this region of the protein. The Lys692Gln variant was not observed in approximately 6,000 individuals of European and African American ancestry in the NHLBI Exome Sequencing Project, indicating it is not a common benign variant in these populations. However, in silico analysis predicts Lys692Gln is benign to the protein structure/function. With the clinical and molecular information available at this time, we cannot definitively determine if Lys692Gln is a disease-causing mutation or a rare benign variant. Mutations in the MYBPC3 gene have been reported in 20%-30% of patients with autosomal dominant familial hypertrophic cardiomyopathy, and have been reported less frequently in patients with autosomal dominant familial dilated cardiomyopathy (Cirino A et al., 2011; Hershberger R et al., 2009). The variant is found in DCM panel(s).